The following is an entry in ClinVar:

ClinVar aggregate classification (germline): Uncertain significance (1 of 4 stars; one submission).

Submission:

Laboratory for Molecular Medicine, Mass General Brigham Personalized Medicine
Classification: Uncertain significance. Last evaluated: 2014-06-10. Review status: criteria provided, single submitter. Criteria: LMM Criteria. Collection method: clinical testing. Allele origin: germline. Observed: 1 variant allele.
Comment: The Gly2238Ala variant in CDH23 has not been reported in individuals with hearin g loss or in large population studies. Computational prediction tools and conser vation analyses suggest that the Gly2238Ala variant may impact the protein, thou gh this information is not predictive enough to determine pathogenicity. In addi tion, this variant is located within the splice consensus sequence. Computationa l tools do not agree on whether it impacts splicing. In summary, the clinical si gnificance of this variant cannot be determined with certainty.

NM_022124.6(CDH23):c.6713G>C (p.Gly2238Ala)

Gene: CDH23 (cadherin related 23; plus strand). Cytogenetic location: 10q22.1.
Variant type: single nucleotide variant.
Coding change: c.6713G>C on transcript NM_022124.6 (MANE Select); coding-DNA position 6713, G replaced by C.
Protein change: p.Gly2238Ala; replaces glycine 2238 with alanine.
Molecular consequence: missense variant. On other transcripts: 5 prime UTR variant (2).
Genome position (GRCh38, 1-based): chr10:71,797,104, G>C. VCF-style: chr10-71797104-G-C. GRCh37 (hg19) VCF-style: chr10-73556861-G-C.
Other names: c.-8G>C (NM_001171933.1, NM_001171934.1); short protein forms G2238A.
Identifiers: ClinVar variation 162934 (VCV000162934.4), dbSNP rs727502928, ClinGen allele CA175507.